The following is an entry in ClinVar:

ClinVar aggregate classification (germline): Uncertain significance (1 of 4 stars; one submission).

Submission:

Biesecker Lab/Clinical Genomics Section, National Institutes of Health
Classification: Uncertain significance. Last evaluated: 2013-06-24. Review status: criteria provided, single submitter. Criteria: Ng et al. (Circ Cardiovasc Genet. 2013). Collection method: research. Allele origin: unknown. Observed: 1 variant allele. Study: ClinSeq.
Comment: The study set was not selected for affection status in relation to any cancer. Pathogenicity categories were based on literature curation. See Pubmed ID:23861362 for details.

Medical sequencing

NM_001267550.2(TTN):c.72823A>T (p.Lys24275Ter)

Genes: TTN (titin; minus strand), TTN-AS1 (TTN antisense RNA 1; plus strand). Cytogenetic location: 2q31.2.
Variant type: single nucleotide variant.
Coding change: c.72823A>T on transcript NM_001267550.2 (MANE Select); coding-DNA position 72823, A replaced by T.
Protein change: p.Lys24275Ter; replaces lysine 24275 with a stop codon.
Molecular consequence: nonsense.
Genome position (GRCh38, 1-based): chr2:178,573,309, T>A on the plus strand (A>T on the coding strand, the complement: TTN is on the minus strand). VCF-style: chr2-178573309-T-A. GRCh37 (hg19) VCF-style: chr2-179438036-T-A.
Other names: c.67900A>T, p.Lys22634Ter (NM_001256850.1); c.45628A>T, p.Lys15210Ter (NM_003319.4); c.65119A>T, p.Lys21707Ter (NM_133378.4); c.46003A>T, p.Lys15335Ter (NM_133432.3); c.46204A>T, p.Lys15402Ter (NM_133437.4); short protein forms K21707*, K24275*, K15402*, K22634*, K15210*, K15335*.
Identifiers: ClinVar variation 191898 (VCV000191898.1), dbSNP rs786205380, ClinGen allele CA237815.